The following is an entry in ClinVar:

Conditions:
Breast-ovarian cancer, familial, susceptibility to, 1 (BROVCA1). Also called: BRCA1 Hereditary Breast and Ovarian Cancer; OVARIAN CANCER, SUSCEPTIBILITY TO. Identifiers: Orphanet 145, MedGen C2676676, MONDO:0011450, OMIM 604370. Disease mechanism: loss of function.

Submission:

Brotman Baty Institute, University of Washington
No classification provided (evidence only). Condition: Breast-ovarian cancer, familial 1. Review status: no classification provided. Collection method: in vitro. Allele origin: not applicable. Functional consequence: functionally_normal.
ClinVar note: "not provided" was previously submitted as the classification for the variant. However, the classification appeared to be based only on an observation of functional data so it was converted to no classification on 2025-07-30.

NM_007294.4(BRCA1):c.5277+5A>C

Gene: BRCA1 (BRCA1 DNA repair associated; minus strand). Cytogenetic location: 17q21.31.
Variant type: single nucleotide variant.
Coding change: c.5277+5A>C on transcript NM_007294.4 (MANE Select); 5 bases into the intron after coding-DNA position 5277, A replaced by C.
Molecular consequence: intron variant.
Genome position (GRCh38, 1-based): chr17:43,057,047, T>G on the plus strand (A>C on the coding strand, the complement: BRCA1 is on the minus strand). VCF-style: chr17-43057047-T-G. GRCh37 (hg19) VCF-style: chr17-41209064-T-G.
Other names: c.5133+5A>C (NM_001407746.1, NM_001407738.1, NM_001407742.1 and 21 more transcripts); c.1824+5A>C (NM_001408461.1, NM_001408464.1, NM_001408467.1 and 7 more transcripts); c.5067+5A>C (NM_001407886.1, NM_001407881.1, NM_001407887.1 and 5 more transcripts); c.5148+5A>C (NM_001407686.1, NM_001407685.1, NM_001407688.1 and 6 more transcripts); c.1962+5A>C (NM_001408397.1, NM_001408401.1, NM_001408396.1 and 8 more transcripts); c.5271+5A>C (NM_001407632.1, NM_001407627.1, NM_001407861.1 and 14 more transcripts); c.5274+5A>C (NM_001407613.1, NM_001407618.1, NM_001407614.1 and 17 more transcripts); c.1842+5A>C (NM_001408436.1, NM_001408435.1, NM_001408444.1 and 10 more transcripts); and 72 more.
Identifiers: ClinVar variation 867310 (VCV000867310.3), dbSNP rs397509252, ClinGen allele CA916081125.
Genomic context (GRCh38, chr17:43,057,047, plus strand): 5'-CAAAGGGGAGTGGAATACAGAGTGGTGGGGTGAGATTTTTGTCAACTTGAGGGAGGGAGC[T>G]TTACCTTTCTGTCCTGGGATTCTCTTGCTCGCTTTGGACCTTGGTGGTTTCTTCCATTGA-3'